The following is an entry in ClinVar:

NM_000169.3(GLA):c.786dup (p.Asn263fs)

Genes: GLA (galactosidase alpha; minus strand), RPL36A-HNRNPH2 (RPL36A-HNRNPH2 readthrough; plus strand). Cytogenetic location: Xq22.1.
Variant type: Duplication.
Coding change: c.786dup on transcript NM_000169.3 (MANE Select); coding-DNA position 786, one base duplicated (G; older notation c.786dupG).
Protein change: p.Asn263fs; shifts the reading frame from asparagine 263.
Molecular consequence: frameshift variant. On other transcripts: non-coding transcript variant (3), intron variant (2).
Genome position (GRCh38, 1-based): chrX:101,398,800, C duplicated on the plus strand (G on the coding strand, the reverse complement: GLA is on the minus strand); the first of 2 consecutive C bases (chrX:101,398,800-101,398,801); duplicating either gives the same sequence. VCF-style (leftmost placement, unchanged base first): chrX-101398799-T-TC. GRCh37 (hg19) VCF-style: chrX-100653787-T-TC.
Other names: c.786dupG (NM_000169.2); c.909dup, p.Asn304fs (NM_001406747.1); c.786dup, p.Asn263fs (NM_001406748.1); c.300+3344dup (NM_001199973.2); c.177+6979dup (NM_001199974.2); short protein forms N263fs, N304fs.
Identifiers: ClinVar variation 524216 (VCV000524216.7), dbSNP rs1555985091, ClinGen allele CA658799813.
Genomic context (GRCh38, chrX:101,398,799, plus strand): 5'-ACAAGCCTACCGCAGGGTCTTGAACAAGGAGGGCTCAAGTTTTTACCATATCTGGGTCAT[T>TC]CCAACCCCCTGGTCCAGCAACATCAACAATTCTCTCCTGGTTAAAAGATGTCCAGTCCAA-3'

ClinVar aggregate classification (germline): Pathogenic (1 of 4 stars; one submission).

Conditions:
Fabry disease. Also called: Fabry's disease; Angiokeratoma corporis diffusum; ALPHA-GALACTOSIDASE A DEFICIENCY; ANDERSON-FABRY DISEASE; CERAMIDE TRIHEXOSIDASE DEFICIENCY; GLA DEFICIENCY. Identifiers: Orphanet 324, MedGen C0002986, MONDO:0010526, OMIM 301500, HP:0001071. Disease mechanism: loss of function, Fabry disease is due to inactivating mutations in the X-linked GLA gene resulting in deficiency of the enzyme Alpha Galactosidase-A..

Submission:

Labcorp Genetics (formerly Invitae), Labcorp
Classification: Pathogenic for Fabry disease. Last evaluated: 2017-08-22. Review status: criteria provided, single submitter. Criteria: Invitae Variant Classification Sherloc (09022015). Collection method: clinical testing. Allele origin: germline.
Comment: For these reasons, this variant has been classified as Pathogenic. Loss-of-function variants in GLA are known to be pathogenic (PMID: 10666480, 12175777). This variant has not been reported in the literature in individuals with GLA-related disease. This variant is not present in population databases (ExAC no frequency). This sequence change creates a premature translational stop signal (p.Asn263Glufs*2) in the GLA gene. It is expected to result in an absent or disrupted protein product.

Literature cited by the submitters: PubMed 10666480; PubMed 12175777.